The following is an entry in ClinVar:

NM_000038.6(APC):c.6378A>C (p.Arg2126Ser)

Gene: APC (APC regulator of Wnt signaling pathway; plus strand). Cytogenetic location: 5q22.2.
Variant type: single nucleotide variant.
Coding change: c.6378A>C on transcript NM_000038.6 (MANE Select); coding-DNA position 6378, A replaced by C.
Protein change: p.Arg2126Ser; replaces arginine 2126 with serine.
Molecular consequence: missense variant. On other transcripts: non-coding transcript variant (2).
Genome position (GRCh38, 1-based): chr5:112,841,972, A>C. VCF-style: chr5-112841972-A-C. GRCh37 (hg19) VCF-style: chr5-112177669-A-C.
Other names: c.6378A>C, p.Arg2126Ser (NM_001127510.3, NM_001354895.2, NM_001407450.1); c.6324A>C, p.Arg2108Ser (NM_001127511.3); c.6432A>C, p.Arg2144Ser (NM_001354896.2, NM_001407449.1, NM_001407447.1 and 1 more transcripts); c.6408A>C, p.Arg2136Ser (NM_001354897.2); c.6303A>C, p.Arg2101Ser (NM_001354898.2); c.6294A>C, p.Arg2098Ser (NM_001354899.2); c.6255A>C, p.Arg2085Ser (NM_001354900.2); c.6201A>C, p.Arg2067Ser (NM_001354901.2, NM_001407453.1); and 11 more; short protein forms R1966S, R2067S, R2101S, R2116S, R2126S, R1843S, R2025S, R2035S.
Identifiers: ClinVar variation 4827302 (VCV004827302.1).

ClinVar aggregate classification (germline): Uncertain significance (1 of 4 stars; one submission).

Conditions:
Hereditary cancer-predisposing syndrome. Also called: Neoplastic Syndromes, Hereditary; Tumor predisposition; Hereditary Cancer Syndrome; Hereditary neoplastic syndrome. Identifiers: Orphanet 140162, MedGen C0027672, MeSH D009386, MONDO:0015356.

Submission:

Ambry Genetics
Classification: Uncertain significance for Hereditary cancer-predisposing syndrome. Last evaluated: 2026-03-06. Review status: criteria provided, single submitter. Criteria: Ambry Variant Classification Scheme 2023. Collection method: clinical testing. Allele origin: germline.
Comment: The p.R2126S variant (also known as c.6378A>C), located in coding exon 15 of the APC gene, results from an A to C substitution at nucleotide position 6378. The arginine at codon 2126 is replaced by serine, an amino acid with dissimilar properties. This amino acid position is conserved. In addition, in silico predictors for this gene do not accurately predict pathogenicity. Based on the available evidence, the clinical significance of this variant remains unclear.